The following is an entry in ClinVar:

ClinVar aggregate classification (germline): Benign. Review status: criteria provided, multiple submitters, no conflicts (2 of 4 stars). 4 submissions from 4 submitters: Benign (4). Last evaluated 2021-07-14.

Conditions:
Hypertrichotic osteochondrodysplasia Cantu type. Also called: Cantu Syndrome; Cantú Syndrome. Identifiers: Orphanet 1517, MedGen C0795905, MONDO:0009406, OMIM 239850.

Allele frequency attached by ClinVar (database versions not stated): 1000 Genomes Project 30x 0.33120; 1000 Genomes Project 0.33466; TOPMed 0.34463; ExAC 0.38829; ESP Exome Variant Server 0.35966.
gnomAD v4.1: 647,447 of 1,611,748 alleles (40%); highest among the groups gnomAD compares: South Asian, 48%; 132,466 homozygotes.

Submissions (4):

Genome-Nilou Lab
Classification: Benign for Hypertrichotic osteochondrodysplasia Cantu type. Last evaluated: 2021-07-14. Review status: criteria provided, single submitter. Criteria: ACMG Guidelines, 2015. Collection method: clinical testing. Allele origin: germline. Affected: no.

GeneDx
Classification: Benign. Last evaluated: 2018-06-15. Review status: criteria provided, single submitter. Criteria: GeneDx Variant Classification (06012015). Collection method: clinical testing. Allele origin: germline. Affected: yes.
Comment: This variant is considered likely benign or benign based on one or more of the following criteria: it is a conservative change, it occurs at a poorly conserved position in the protein, it is predicted to be benign by multiple in silico algorithms, and/or has population frequency not consistent with disease.

Breakthrough Genomics
Classification: Benign. Review status: criteria provided, single submitter. Criteria: ACMG Guidelines, 2015. Collection method: not provided. Allele origin: germline. Inheritance: Autosomal recessive inheritance. Affected: yes.

PreventionGenetics, part of Exact Sciences
Classification: Benign. Review status: criteria provided, single submitter. Criteria: ACMG Guidelines, 2015. Collection method: clinical testing. Allele origin: germline.

NM_020297.4(ABCC9):c.2769+28A>C

Gene: ABCC9 (ATP binding cassette subfamily C member 9; minus strand). Cytogenetic location: 12p12.1.
Variant type: single nucleotide variant.
Coding change: c.2769+28A>C on transcript NM_020297.4 (MANE Select); 28 bases into the intron after coding-DNA position 2769, A replaced by C.
Molecular consequence: intron variant.
Genome position (GRCh38, 1-based): chr12:21,852,069, T>G on the plus strand (A>C on the coding strand, the complement: ABCC9 is on the minus strand). VCF-style: chr12-21852069-T-G. GRCh37 (hg19) VCF-style: chr12-22005003-T-G.
Other names: c.1902+28A>C (NM_001377274.1); c.2769+28A>C (NM_005691.4, NM_001377273.1).
Identifiers: ClinVar variation 261216 (VCV000261216.6), dbSNP rs2307024, ClinGen allele CA6481291.
Genomic context (GRCh38, chr12:21,852,069, plus strand): 5'-TAATTTTTTAAAAAGCATTCTTAGTAATTAGTAAATTTCTAACTCTTCTGAATTGGGCTC[T>G]GAACTCTTCTGAACTATGAGCACTTACCTTTTCTAATTCTTGATCTTGCCGATTCATAAG-3'